The following is an entry in ClinVar:

NM_022041.4(GAN):c.906C>T (p.Asn302=)

Gene: GAN (gigaxonin; plus strand). Cytogenetic location: 16q23.2.
Variant type: single nucleotide variant.
Coding change: c.906C>T on transcript NM_022041.4 (MANE Select); coding-DNA position 906, C replaced by T.
Protein change: p.Asn302=; no amino-acid change (asparagine 302 retained).
Molecular consequence: synonymous variant.
Genome position (GRCh38, 1-based): chr16:81,357,864, C>T. VCF-style: chr16-81357864-C-T. GRCh37 (hg19) VCF-style: chr16-81391469-C-T.
Other names: c.267C>T, p.Asn89= (NM_001377486.1).
Identifiers: ClinVar variation 2646894 (VCV002646894.24), dbSNP rs1166279894, ClinGen allele CA496698933.

ClinVar aggregate classification (germline): Likely benign (1 of 4 stars; one submission).

gnomAD v4.1: 1 of 1,613,228 alleles (0.000062%); highest among the groups gnomAD compares: Non-Finnish European, 0.000085%; no homozygotes.

Submission:

CeGaT Center for Human Genetics Tuebingen
Classification: Likely benign. Last evaluated: 2023-08-01. Review status: criteria provided, single submitter. Criteria: CeGaT Center For Human Genetics Tuebingen Variant Classification Criteria Version 2. Collection method: clinical testing. Allele origin: germline. Affected: yes. Observed: 1 variant allele.
Comment: GAN: PM2:Supporting, BP4, BP7